The following is an entry in ClinVar:

ClinVar aggregate classification (germline): Conflicting classifications of pathogenicity. Review status: criteria provided, conflicting classifications (1 of 4 stars). 2 submissions from 2 submitters: Uncertain significance (1); Likely benign (1). Last evaluated 2026-03-24.

Conditions:
Neurodevelopmental disorder with dysmorphic facies and distal limb anomalies. Identifiers: Orphanet 686482, MedGen C4540327, MONDO:0060596, OMIM 617755.

gnomAD v4.1: 12 of 1,614,074 alleles (0.00074%); highest among the groups gnomAD compares: Middle Eastern, 0.016%; no homozygotes.

Submissions (2):

Centre for Medical Genetics,  Mumbai
Classification: Likely benign for Neurodevelopmental disorder with dysmorphic facies and distal limb anomalies. Last evaluated: 2026-03-24. Review status: criteria provided, single submitter. Criteria: ACMG Guidelines, 2015. Collection method: provider interpretation. Allele origin: germline. Inheritance: Autosomal dominant inheritance. Affected: no. Observed: 1 variant allele, 1 homozygote.
Comment: The variant satisfies PM2 criteria; Extremely low frequency in gnomAD population databases. The variant satisfies PP2 criteria; Missense variant in a gene with low rate of benign missense mutations and for which missense mutation is a common mechanism of a disease. The variant satisfies BP4 criteria; For a missense or a splice region variant, computational prediction tools unanimously support a benign effect on the gene. However, the variant satisfies BS2 criteria; present in homozygous state in an individual that clinically does not have Neurodevelopmental disorder with dysmorphic facies and distal limb anomalies.

Laboratorio de Genetica e Diagnostico Molecular, Hospital Israelita Albert Einstein
Classification: Uncertain significance for Neurodevelopmental disorder with dysmorphic facies and distal limb anomalies. Last evaluated: 2024-04-09. Review status: criteria provided, single submitter. Criteria: ACMG Guidelines, 2015. Collection method: clinical testing. Allele origin: germline. Affected: yes.
Comment: ACMG classification criteria: PM2 supporting, PP2 supporting, BP4 supporting

Literature cited by the submitters: PubMed 28942966 (cited by Centre for Medical Genetics,  Mumbai).

NM_182641.4(BPTF):c.3467C>T (p.Thr1156Ile)

Gene: BPTF (bromodomain PHD finger transcription factor; plus strand). Cytogenetic location: 17q24.2.
Variant type: single nucleotide variant.
Coding change: c.3467C>T on transcript NM_182641.4 (MANE Select); coding-DNA position 3467, C replaced by T.
Protein change: p.Thr1156Ile; replaces threonine 1156 with isoleucine.
Molecular consequence: missense variant.
Genome position (GRCh38, 1-based): chr17:67,911,351, C>T. VCF-style: chr17-67911351-C-T. GRCh37 (hg19) VCF-style: chr17-65907467-C-T.
Other names: c.3845C>T, p.Thr1282Ile (NM_004459.7); short protein forms T1156I, T1282I.
Identifiers: ClinVar variation 3901924 (VCV003901924.2).